The following is an entry in ClinVar:

NM_000297.4(PKD2):c.848_849dup (p.Glu284fs)

Gene: PKD2 (polycystin 2, transient receptor potential cation channel; plus strand). Cytogenetic location: 4q22.1.
Variant type: Microsatellite.
Coding change: c.848_849dup on transcript NM_000297.4 (MANE Select); coding-DNA positions 848 to 849, 2 bases duplicated (CA; older notation c.848_849dupCA).
Protein change: p.Glu284fs; shifts the reading frame from glutamic acid 284.
Molecular consequence: frameshift variant. On other transcripts: non-coding transcript variant (1).
Genome position (GRCh38, 1-based): chr4:88,038,255-88,038,256, CA duplicated; duplicating any 2 consecutive bases within chr4:88,038,253-88,038,256 gives the same sequence; the c. name uses the placement nearest the transcript's 3' end. VCF-style (leftmost placement, unchanged base first): chr4-88038252-T-TCA. GRCh37 (hg19) VCF-style: chr4-88959404-T-TCA.
Other names: short protein forms E284fs.
Identifiers: ClinVar variation 997112 (VCV000997112.1), dbSNP rs1727412539, ClinGen allele CA1474575783.
Genomic context (GRCh38, chr4:88,038,252, plus strand): 5'-CAGGGGCAAGACAGCGGCTGAGCTTGGAACTTTTTCAGAGATGTTTCCTTTGCTTTTAGT[T>TCA]CACAGAAGGCTCCTTATTGGATGGGCTGTACTGGAAGATGCAGCCCAGCAACCAGACTGA-3'

ClinVar aggregate classification (germline): Pathogenic (0 of 4 stars; one submission).

Conditions:
Polycystic kidney disease. Also called: Polycystic kidney dysplasia; Kidney, Polycystic. Identifiers: MedGen C0022680, MeSH D007690, MONDO:0020642, HP:0000113.

Submission:

Department of Pathology and Laboratory Medicine, Sinai Health System
Classification: Pathogenic for Polycystic Kidney disease. Review status: no assertion criteria provided. Collection method: clinical testing. Allele origin: unknown. Affected: yes. Study: The Canadian Open Genetics Repository (COGR).
Comment: The PKD2 p.Glu284Glnfs*34 variant was not identified in the literature nor was it identified in the dbSNP, ClinVar, LOVD 3.0, ADPKD Mutation Database, or PKD1-LOVD, databases. The variant was not identified in the following control databases: the Exome Aggregation Consortium (August 8th 2016), or the Genome Aggregation Database (Feb 27, 2017). The c.848_849dup variant is predicted to cause a frameshift, which alters the protein amino acid sequence beginning at codon 284 and leads to a premature stop codon at position 317. This alteration is then predicted to result in a truncated or absent protein and loss of function. Loss of function variants of the PKD2 gene are an established mechanism of disease in ADPKD and is the type of variant expected to cause the disorder. In summary, based on the above information this variant meets our laboratoryâ€šÃ„Ã´s criteria to be classified as pathogenic.